The following is an entry in ClinVar:

NM_000334.4(SCN4A):c.2065C>T (p.Leu689Phe)

Genes: GH-LCR (growth hormone locus control region; plus strand), SCN4A (sodium voltage-gated channel alpha subunit 4; minus strand). Cytogenetic location: 17q23.3.
Variant type: single nucleotide variant.
Coding change: c.2065C>T on transcript NM_000334.4 (MANE Select); coding-DNA position 2065, C replaced by T.
Protein change: p.Leu689Phe; replaces leucine 689 with phenylalanine.
Molecular consequence: missense variant.
Genome position (GRCh38, 1-based): chr17:63,957,473, G>A on the plus strand (C>T on the coding strand, the complement: SCN4A is on the minus strand). VCF-style: chr17-63957473-G-A. GRCh37 (hg19) VCF-style: chr17-62034833-G-A.
Other names: short protein forms L689F.
Identifiers: ClinVar variation 623937 (VCV000623937.47), dbSNP rs80338955, ClinGen allele CA400631288.

ClinVar aggregate classification (germline): Pathogenic/Likely pathogenic. Review status: criteria provided, multiple submitters, no conflicts (2 of 4 stars). 3 submissions from 3 submitters: Pathogenic (1); Likely pathogenic (1). 1 of the submissions does not count toward it. Last evaluated 2018-06-01.

Conditions:
Paramyotonia congenita of Von Eulenburg. Also called: Eulenburg disease; Myotonia congenita intermittens; Von Eulenburg paramyotonia congenita; PARALYSIS PERIODICA PARAMYOTONICA; Paramyotonia Congenita. Identifiers: Orphanet 684, MedGen C0221055, MONDO:0008195, OMIM 168300. Disease mechanism: loss of function.

Submissions (3):

CeGaT Center for Human Genetics Tuebingen
Classification: Likely pathogenic. Last evaluated: 2018-06-01. Review status: criteria provided, single submitter. Criteria: CeGaT Center For Human Genetics Tuebingen Variant Classification Criteria Version 2. Collection method: clinical testing. Allele origin: germline. Affected: yes. Observed: 1 variant allele.

Kasturba Medical College, Manipal, Kasturba Medical College, Manipal, Manipal Academy of Higher Education, Manipal, India
Classification: Pathogenic for Paramyotonia congenita of Von Eulenburg. Review status: criteria provided, single submitter. Criteria: ACMG Guidelines, 2015. Collection method: research. Allele origin: de novo. Inheritance: Autosomal dominant inheritance. Affected: yes. Observed: 1 heterozygote.
Comment: This variant is absent in the gnomAD (v4.1.0) population database and in our in-house data of 3384 exomes.

Department of Neuromuscular Diseases, Third Hospital of Hebei Medical University
Classification: Pathogenic for Paramyotonia congenita of Von Eulenburg. Last evaluated: 2022-01-11. Review status: no assertion criteria provided. Collection method: clinical testing. Allele origin: de novo. Inheritance: Autosomal dominant inheritance. Affected: yes. Observed: 1 heterozygote. Not counted in ClinVar's aggregate classification.

Literature cited by the submitters: PubMed 18337730 (cited by Kasturba Medical College, Manipal, Kasturba Medical College, Manipal, Manipal Academy of Higher Education, Manipal, India); PubMed 31189464 (cited by Kasturba Medical College, Manipal, Kasturba Medical College, Manipal, Manipal Academy of Higher Education, Manipal, India); PubMed 29606556 (cited by Department of Neuromuscular Diseases, Third Hospital of Hebei Medical University).